The following is an entry in ClinVar:

NM_080605.4(B3GALT6):c.532C>T (p.Arg178Cys)

Gene: B3GALT6 (beta-1,3-galactosyltransferase 6; plus strand). Cytogenetic location: 1p36.33.
Variant type: single nucleotide variant.
Coding change: c.532C>T on transcript NM_080605.4 (MANE Select); coding-DNA position 532, C replaced by T.
Protein change: p.Arg178Cys; replaces arginine 178 with cysteine.
Molecular consequence: missense variant.
Genome position (GRCh38, 1-based): chr1:1,232,810, C>T. VCF-style: chr1-1232810-C-T. GRCh37 (hg19) VCF-style: chr1-1168190-C-T.
Other names: short protein forms R178C.
Identifiers: ClinVar variation 1957516 (VCV001957516.5), dbSNP rs747670452, ClinGen allele CA337826388.

ClinVar aggregate classification (germline): Uncertain significance (1 of 4 stars; one submission).

Conditions:
Spondyloepimetaphyseal dysplasia with joint laxity (SEMDJL). Identifiers: MedGen C0432243, MONDO:0019675.
Ehlers-Danlos syndrome, spondylodysplastic type, 2 (EDSSPD2). Also called: Ehlers-Danlos syndrome, progeroid type, 2. Identifiers: Orphanet 536467, Orphanet 75496, MedGen C3809210, MONDO:0014139, OMIM 615349.

Submission:

Labcorp Genetics (formerly Invitae), Labcorp
Classification: Uncertain significance for Ehlers-Danlos syndrome, spondylodysplastic type, 2; Spondyloepimetaphyseal dysplasia with joint laxity. Last evaluated: 2024-03-06. Review status: criteria provided, single submitter. Criteria: Invitae Variant Classification Sherloc (09022015). Collection method: clinical testing. Allele origin: germline.
Comment: This sequence change replaces arginine, which is basic and polar, with cysteine, which is neutral and slightly polar, at codon 178 of the B3GALT6 protein (p.Arg178Cys). This variant is not present in population databases (gnomAD no frequency). This variant has not been reported in the literature in individuals affected with B3GALT6-related conditions. ClinVar contains an entry for this variant (Variation ID: 1957516). Advanced modeling of protein sequence and biophysical properties (such as structural, functional, and spatial information, amino acid conservation, physicochemical variation, residue mobility, and thermodynamic stability) has been performed at Invitae for this missense variant, however the output from this modeling did not meet the statistical confidence thresholds required to predict the impact of this variant on B3GALT6 protein function. In summary, the available evidence is currently insufficient to determine the role of this variant in disease. Therefore, it has been classified as a Variant of Uncertain Significance.